The following is an entry in ClinVar:

ClinVar aggregate classification (germline): Uncertain significance (1 of 4 stars; one submission).

Conditions:
Juvenile onset Parkinson disease 19A. Also called: DNAJC6 Parkinson Disease; PARK19. Identifiers: Orphanet 391411, MedGen C3809811, MONDO:0014231, OMIM 615528.

Allele frequency attached by ClinVar (database versions not stated): gnomAD 0.00001; gnomAD exomes 0.00001; TOPMed 0.00002.

Submission:

Labcorp Genetics (formerly Invitae), Labcorp
Classification: Uncertain significance for Juvenile onset Parkinson disease 19A. Last evaluated: 2020-09-24. Review status: criteria provided, single submitter. Criteria: Invitae Variant Classification Sherloc (09022015). Collection method: clinical testing. Allele origin: germline.
Comment: In summary, the available evidence is currently insufficient to determine the role of this variant in disease. Therefore, it has been classified as a Variant of Uncertain Significance. Algorithms developed to predict the effect of missense changes on protein structure and function output the following: SIFT: "Tolerated"; PolyPhen-2: "Benign"; Align-GVGD: "Class C0". The alanine amino acid residue is found in multiple mammalian species, suggesting that this missense change does not adversely affect protein function. These predictions have not been confirmed by published functional studies and their clinical significance is uncertain. This variant has not been reported in the literature in individuals with DNAJC6-related conditions. The frequency data for this variant in the population databases is considered unreliable, as metrics indicate insufficient coverage at this position in the ExAC database. This sequence change replaces glycine with alanine at codon 34 of the DNAJC6 protein (p.Gly34Ala). The glycine residue is weakly conserved and there is a small physicochemical difference between glycine and alanine.

NM_001256864.2(DNAJC6):c.101G>C (p.Gly34Ala)

Gene: DNAJC6 (DnaJ heat shock protein family (Hsp40) member C6; plus strand). Cytogenetic location: 1p31.3.
Variant type: single nucleotide variant.
Coding change: c.101G>C on transcript NM_001256864.2 (MANE Select); coding-DNA position 101, G replaced by C.
Protein change: p.Gly34Ala; replaces glycine 34 with alanine.
Molecular consequence: missense variant. On other transcripts: intron variant (2).
Genome position (GRCh38, 1-based): chr1:65,309,846, G>C. VCF-style: chr1-65309846-G-C. GRCh37 (hg19) VCF-style: chr1-65775529-G-C.
Other names: c.-130-35765G>C (NM_001256865.2); c.22+44914G>C (NM_014787.4); short protein forms G34A.
Identifiers: ClinVar variation 1004818 (VCV001004818.6), dbSNP rs956622990, ClinGen allele CA23912369.